The following is an entry in ClinVar:

ClinVar aggregate classification (germline): Likely benign. Review status: criteria provided, multiple submitters, no conflicts (2 of 4 stars). 2 submissions from 2 submitters: Likely benign (2). Last evaluated 2026-05-19.

Conditions:
CDHR1-related disorder. Also called: CDHR1-related condition.

Allele frequency attached by ClinVar (database versions not stated): gnomAD exomes 0.00001; ExAC 0.00002; gnomAD 0.00002 and 0.00003; 1000 Genomes Project 30x 0.00016; 1000 Genomes Project 0.00020.
gnomAD v4.1: 12 of 1,614,226 alleles (0.00074%); highest among the groups gnomAD compares: East Asian, 0.011%; no homozygotes.

Submissions (2):

PreventionGenetics, part of Exact Sciences
Classification: Likely benign for CDHR1-related condition. Last evaluated: 2026-05-19. Review status: criteria provided, single submitter. Criteria: ACMG Guidelines, 2015. Collection method: clinical testing. Allele origin: germline.
Comment: This variant is classified as likely benign based on ACMG/AMP sequence variant interpretation guidelines (Richards et al. 2015 PMID: 25741868, with internal and published modifications).

Labcorp Genetics (formerly Invitae), Labcorp
Classification: Likely benign. Last evaluated: 2024-03-27. Review status: criteria provided, single submitter. Criteria: Invitae Variant Classification Sherloc (09022015). Collection method: clinical testing. Allele origin: germline.

NM_033100.4(CDHR1):c.1752G>A (p.Thr584=)

Gene: CDHR1 (cadherin related family member 1; plus strand). Cytogenetic location: 10q23.1.
Variant type: single nucleotide variant.
Coding change: c.1752G>A on transcript NM_033100.4 (MANE Select); coding-DNA position 1752, G replaced by A.
Protein change: p.Thr584=; no amino-acid change (threonine 584 retained).
Molecular consequence: synonymous variant.
Genome position (GRCh38, 1-based): chr10:84,212,377, G>A. VCF-style: chr10-84212377-G-A. GRCh37 (hg19) VCF-style: chr10-85972133-G-A.
Other names: c.1752G>A, p.Thr584= (NM_001171971.3); c.1752G>A (NM_033100.3).
Identifiers: ClinVar variation 1091212 (VCV001091212.10), dbSNP rs568247142, ClinGen allele CA5580035.